The following is an entry in ClinVar:

NM_001363.5(DKC1):c.1141G>A (p.Gly381Ser)

Gene: DKC1 (dyskerin pseudouridine synthase 1; plus strand). Cytogenetic location: Xq28.
Variant type: single nucleotide variant.
Coding change: c.1141G>A on transcript NM_001363.5 (MANE Select); coding-DNA position 1141, G replaced by A.
Protein change: p.Gly381Ser; replaces glycine 381 with serine.
Molecular consequence: missense variant. On other transcripts: non-coding transcript variant (3).
Genome position (GRCh38, 1-based): chrX:154,773,235, G>A. VCF-style: chrX-154773235-G-A. GRCh37 (hg19) VCF-style: chrX-154001510-G-A.
Other names: c.1141G>A, p.Gly381Ser (NM_001142463.3, NM_001288747.2); short protein forms G381S.
Identifiers: ClinVar variation 2630979 (VCV002630979.2), dbSNP rs2523700229, ClinGen allele CA414896121.
Genomic context (GRCh38, chrX:154,773,235, plus strand): 5'-GGTATAGTAGCCAAGATCAAGAGAGTGATCATGGAGAGAGACACTTACCCTCGGAAGTGG[G>A]GTTTAGGTCCAAAGGTAAGTGGTACTGGGTTGCGTGCCCTGCCAGGTTCTTTTTTTTTTT-3'
Protein context (NP_001354.1, residues 371-391): MERDTYPRKW[Gly381Ser]LGPKASQKKL

ClinVar aggregate classification (germline): Uncertain significance. Review status: criteria provided, multiple submitters, no conflicts (2 of 4 stars). 2 submissions from 2 submitters: Uncertain significance (2). Last evaluated 2023-12-10.

Conditions:
DKC1-related disorder. Also called: DKC1-related condition. Identifiers: MedGen CN294808, MONDO:0100152.

Submissions (2):

GeneDx
Classification: Uncertain significance. Last evaluated: 2023-12-10. Review status: criteria provided, single submitter. Criteria: GeneDx Variant Classification Process June 2021. Collection method: clinical testing. Allele origin: germline. Affected: yes.
Comment: Has not been previously published as pathogenic or benign to our knowledge; In silico analysis supports that this missense variant has a deleterious effect on protein structure/function; Not observed at significant frequency in large population cohorts (gnomAD)

PreventionGenetics, part of Exact Sciences
Classification: Uncertain significance for DKC1-related condition. Last evaluated: 2023-09-12. Review status: criteria provided, single submitter. Criteria: ACMG Guidelines, 2015. Collection method: clinical testing. Allele origin: germline.
Comment: The DKC1 c.1141G>A variant is predicted to result in the amino acid substitution p.Gly381Ser. To our knowledge, this variant has not been reported in the literature or in a large population database, indicating this variant is rare. At this time, the clinical significance of this variant is uncertain due to the absence of conclusive functional and genetic evidence.